The following is an entry in ClinVar:

ClinVar aggregate classification (germline): Benign (1 of 4 stars; one submission).

Conditions:
Hereditary diffuse gastric adenocarcinoma (HDGC). Also called: DIFFUSE GASTRIC AND LOBULAR BREAST CANCER SYNDROME. Identifiers: Orphanet 26106, MedGen C1708349, MONDO:0007648, OMIM 137215.

Submission:

Myriad Genetics, Inc.
Classification: Benign for Hereditary diffuse gastric adenocarcinoma. Last evaluated: 2024-09-18. Review status: criteria provided, single submitter. Criteria: Myriad Autosomal Dominant, Autosomal Recessive and X-Linked Classification Criteria (2023). Collection method: clinical testing. Allele origin: unknown.
Comment: This variant is considered benign. This variant is a silent/synonymous amino acid change and it is not expected to impact splicing.

NM_004360.5(CDH1):c.1134C>T (p.Thr378=)

Gene: CDH1 (cadherin 1; plus strand). Cytogenetic location: 16q22.1.
Variant type: single nucleotide variant.
Coding change: c.1134C>T on transcript NM_004360.5 (MANE Select); coding-DNA position 1134, C replaced by T.
Protein change: p.Thr378=; no amino-acid change (threonine 378 retained).
Molecular consequence: synonymous variant. On other transcripts: 5 prime UTR variant (2).
Genome position (GRCh38, 1-based): chr16:68,812,260, C>T. VCF-style: chr16-68812260-C-T. GRCh37 (hg19) VCF-style: chr16-68846163-C-T.
Other names: c.1134C>T, p.Thr378= (NM_001317184.2); c.-482C>T (NM_001317185.2); c.-686C>T (NM_001317186.2).
Identifiers: ClinVar variation 3378664 (VCV003378664.1).
Genomic context (GRCh38, chr16:68,812,260, plus strand): 5'-AGCAACAGCTGTGATCACAGTCACTGACACCAACGATAATCCTCCGATCTTCAATCCCAC[C>T]ACGGTAATTCTATAACTCCTTAGAGGGTTTCCAAAGAAAGGTCTTTTGTTGTTCATGAAC-3'
Protein context (NP_004351.1, residues 368-388): TNDNPPIFNP[Thr378=]TYKGQVPENE